The following is an entry in ClinVar:

ClinVar aggregate classification (germline): Uncertain significance (1 of 4 stars; one submission).

Allele frequency attached by ClinVar (database versions not stated): gnomAD exomes below 0.00001.
gnomAD v4.1: 1 of 1,614,146 alleles (0.000062%); highest among the groups gnomAD compares: Admixed American, 0.0017%; no homozygotes.

Submission:

GeneDx
Classification: Uncertain significance. Last evaluated: 2023-04-11. Review status: criteria provided, single submitter. Criteria: GeneDx Variant Classification Process June 2021. Collection method: clinical testing. Allele origin: germline. Affected: yes.
Comment: Not observed at significant frequency in large population cohorts (gnomAD); In silico analysis supports that this missense variant has a deleterious effect on protein structure/function; Has not been previously published as pathogenic or benign to our knowledge

NM_002739.5(PRKCG):c.1403T>C (p.Leu468Pro)

Gene: PRKCG (protein kinase C gamma; plus strand). Cytogenetic location: 19q13.42.
Variant type: single nucleotide variant.
Coding change: c.1403T>C on transcript NM_002739.5 (MANE Select); coding-DNA position 1403, T replaced by C.
Protein change: p.Leu468Pro; replaces leucine 468 with proline.
Molecular consequence: missense variant.
Genome position (GRCh38, 1-based): chr19:53,900,448, T>C. VCF-style: chr19-53900448-T-C. GRCh37 (hg19) VCF-style: chr19-54403702-T-C.
Other names: c.1403T>C, p.Leu468Pro (NM_001316329.2); short protein forms L468P.
Identifiers: ClinVar variation 2662547 (VCV002662547.1), dbSNP rs1398783758, ClinGen allele CA407418505.